The following is an entry in ClinVar:

NM_000153.4(GALC):c.488G>A (p.Trp163Ter)

Gene: GALC (galactosylceramidase; minus strand). Cytogenetic location: 14q31.3.
Variant type: single nucleotide variant.
Coding change: c.488G>A on transcript NM_000153.4 (MANE Select); coding-DNA position 488, G replaced by A.
Protein change: p.Trp163Ter; replaces tryptophan 163 with a stop codon.
Molecular consequence: nonsense. On other transcripts: 5 prime UTR variant (2), non-coding transcript variant (1).
Genome position (GRCh38, 1-based): chr14:87,984,488, C>T on the plus strand (G>A on the coding strand, the complement: GALC is on the minus strand). VCF-style: chr14-87984488-C-T. GRCh37 (hg19) VCF-style: chr14-88450832-C-T.
Other names: c.320G>A, p.Trp107Ter (NM_001424071.1, NM_001424072.1, NM_001424073.1); c.140G>A, p.Trp47Ter (NM_001424074.1, NM_001424075.1); c.-180G>A (NM_001424076.1, NM_001424077.1); c.419G>A, p.Trp140Ter (NM_001201401.2); c.410G>A, p.Trp137Ter (NM_001201402.2); short protein forms W140*, W107*, W137*, W163*, W47*.
Identifiers: ClinVar variation 2994905 (VCV002994905.4), dbSNP rs1182199981, ClinGen allele CA390751785.

ClinVar aggregate classification (germline): Pathogenic. Review status: criteria provided, multiple submitters, no conflicts (2 of 4 stars). 2 submissions from 2 submitters: Pathogenic (2). Last evaluated 2024-03-30.

Conditions:
Galactosylceramide beta-galactosidase deficiency. Also called: GALACTOCEREBROSIDASE DEFICIENCY; GALC DEFICIENCY; GLOBOID CELL LEUKOENCEPHALOPATHY; Leukodystrophy, Globoid Cell; Krabbe Disease. Identifiers: Orphanet 487, MedGen C0023521, MONDO:0009499, OMIM 245200.

Allele frequency attached by ClinVar (database versions not stated): gnomAD 0.00001; TOPMed below 0.00001.

Submissions (2):

Myriad Genetics, Inc.
Classification: Pathogenic for Galactosylceramide beta-galactosidase deficiency. Last evaluated: 2024-03-30. Review status: criteria provided, single submitter. Criteria: Myriad Autosomal Dominant, Autosomal Recessive and X-Linked Classification Criteria (2023). Collection method: clinical testing. Allele origin: unknown.
Comment: NM_000153.3(GALC):c.488G>A(W163*) is expected to be pathogenic in the context of Krabbe disease. This variant is predicted to lead to an abnormal or absent protein product due to the creation of a premature termination codon in GALC, a gene where loss-of-function variants are known to be pathogenic. Please note: this variant was assessed in the context of healthy population screening.

Labcorp Genetics (formerly Invitae), Labcorp
Classification: Pathogenic for Galactosylceramide beta-galactosidase deficiency. Last evaluated: 2024-01-08. Review status: criteria provided, single submitter. Criteria: Invitae Variant Classification Sherloc (09022015). Collection method: clinical testing. Allele origin: germline.
Comment: This sequence change creates a premature translational stop signal (p.Trp163*) in the GALC gene. It is expected to result in an absent or disrupted protein product. Loss-of-function variants in GALC are known to be pathogenic (PMID: 7437911, 9272171, 16607461). This variant is not present in population databases (gnomAD no frequency). This premature translational stop signal has been observed in individual(s) with Krabbe disease (PMID: 30777126). For these reasons, this variant has been classified as Pathogenic.

Literature cited by the submitters: PubMed 7437911 (cited by Labcorp Genetics (formerly Invitae), Labcorp); PubMed 9272171 (cited by Labcorp Genetics (formerly Invitae), Labcorp); PubMed 16607461 (cited by Labcorp Genetics (formerly Invitae), Labcorp); PubMed 30777126 (cited by Labcorp Genetics (formerly Invitae), Labcorp).